The following is an entry in ClinVar:

ClinVar aggregate classification (germline): Conflicting classifications of pathogenicity. Review status: criteria provided, conflicting classifications (1 of 4 stars). 15 submissions from 15 submitters: Uncertain significance (1); Benign (3); Likely benign (8). 3 of the submissions do not count toward it. Last evaluated 2026-07-10.

Conditions:
MSH6-related disorder. Also called: MSH6-related condition; MSH6-Related disorders.
Hereditary nonpolyposis colorectal neoplasms. Identifiers: MedGen C0009405, MeSH D003123.
Inherited prostate cancer.
Hereditary cancer-predisposing syndrome. Also called: Hereditary Cancer Syndrome; Tumor predisposition; Neoplastic Syndromes, Hereditary; Hereditary neoplastic syndrome. Identifiers: Orphanet 140162, MedGen C0027672, MeSH D009386, MONDO:0015356.
Breast and/or ovarian cancer. Identifiers: MedGen CN221562.
Lynch syndrome 5 (LYNCH5). Also called: Colorectal cancer, hereditary nonpolyposis, type 5; Hereditary non-polyposis colorectal cancer, type 5. Identifiers: Orphanet 144, MedGen C1833477, MONDO:0013710, OMIM 614350. Disease mechanism: loss of function.
Carcinoma of colon (CRC). Also called: Colonic carcinoma; Colon carcinoma. Identifiers: MedGen C0699790, MONDO:0002032.

Allele frequency attached by ClinVar (database versions not stated): ESP Exome Variant Server 0.00009; gnomAD exomes 0.00011; ExAC 0.00013; 1000 Genomes Project 30x 0.00109; TOPMed 0.00065; 1000 Genomes Project 0.00100.
gnomAD v4.1: 172 of 1,607,104 alleles (0.011%); highest among the groups gnomAD compares: African/African-American, 0.21%; no homozygotes.

Submissions (15):

Cambridge Genomics Laboratory, East Genomic Laboratory Hub, NHS Genomic Medicine Service
Classification: Benign for Inherited prostate cancer. Last evaluated: 2026-07-10. Review status: criteria provided, single submitter. Criteria: ACGS Best Practice Guidelines for Variant Classification in Rare Disease 2020. Collection method: clinical testing. Allele origin: germline. Affected: yes.
Comment: BS1_Strong,BP4,BP5

Labcorp Genetics (formerly Invitae), Labcorp
Classification: Likely benign for Hereditary nonpolyposis colorectal neoplasms. Last evaluated: 2026-01-31. Review status: criteria provided, single submitter. Criteria: Invitae Variant Classification Sherloc (09022015). Collection method: clinical testing. Allele origin: germline.

Women's Health and Genetics/Laboratory Corporation of America, LabCorp
Classification: Likely benign. Last evaluated: 2025-08-18. Review status: criteria provided, single submitter. Criteria: LabCorp Variant Classification Summary - May 2015. Collection method: clinical testing. Allele origin: germline.
Comment: Variant summary: MSH6 c.124C>T (p.Pro42Ser) results in a non-conservative amino acid change located in the PWWP domain (IPR000313) of the encoded protein sequence. Algorithms developed to predict the effect of missense changes on protein structure and function are either unavailable or do not agree on the potential impact of this missense change. The variant allele was found at a frequency of 0.00011 in 227574 control chromosomes, predominantly at a frequency of 0.0019 within the African or African-American subpopulation in the gnomAD database. The observed variant frequency within African or African-American control individuals in the gnomAD database is approximately 13.38 fold of the estimated maximal expected allele frequency for a pathogenic variant in MSH6 causing Hereditary Nonpolyposis Colorectal Cancer phenotype (0.00014), strongly suggesting that the variant is a benign polymorphism found primarily in populations of African or African-American origin. c.124C>T has been observed in individual(s) affected with colorectal cancer or with suspected Lynch Syndrome (Hampel_2005, Yurgelun_2015, da Silva_2015, Rossi_ 2017). These report(s) do not provide unequivocal conclusions about association of the variant with Hereditary Nonpolyposis Colorectal Cancer. To our knowledge, no experimental evidence demonstrating an impact on protein function has been reported. The following publications have been ascertained in the context of this evaluation (PMID: 22290698, 15872200, 28874130, 23621914, 25980754, 26437257). ClinVar contains an entry for this variant (Variation ID: 89180). Based on the evidence outlined above, the variant was classified as likely benign.

Myriad Genetics, Inc.
Classification: Benign for Lynch syndrome 5. Last evaluated: 2024-12-17. Review status: criteria provided, single submitter. Criteria: Myriad Autosomal Dominant, Autosomal Recessive and X-Linked Classification Criteria (2023). Collection method: clinical testing. Allele origin: unknown.
Comment: This variant is considered benign. Homozygosity for this variant has been confirmed in one or more individuals lacking clinical features consistent with gene-specific recessive disease, indicating that this variant is unlikely to be pathogenic. This variant is strongly associated with less severe personal and family histories of cancer, typical for individuals without pathogenic variants in this gene [PMID: 27363726].

Color Diagnostics, LLC DBA Color Health
Classification: Benign for Hereditary cancer-predisposing syndrome. Last evaluated: 2024-10-10. Review status: criteria provided, single submitter. Criteria: ACMG Guidelines, 2015. Collection method: clinical testing. Allele origin: germline.

Quest Diagnostics Nichols Institute San Juan Capistrano
Classification: Likely benign. Last evaluated: 2022-10-08. Review status: criteria provided, single submitter. Criteria: Quest Diagnostics criteria. Collection method: clinical testing. Allele origin: unknown.

Johns Hopkins Genomics, Johns Hopkins University
Classification: Likely benign for Lynch syndrome 5. Last evaluated: 2022-03-19. Review status: criteria provided, single submitter. Criteria: ACMG Guidelines, 2015. Collection method: clinical testing. Allele origin: germline.

Sema4
Classification: Uncertain significance for Hereditary cancer-predisposing syndrome. Last evaluated: 2021-10-08. Review status: criteria provided, single submitter. Criteria: Sema4 Curation Guidelines. Collection method: curation. Allele origin: germline.
Comment: The MSH6 c.124C>T (p.P42S) variant has been reported in heterozygosity in several individuals with colorectal cancer or another Lynch syndrome-related cancer (PMID: 26437257, 31647837, 25980754, 15872200). Tumors found in these patients exhibit normal mismatch repair protein expression, suggesting the variant is not deleterious (PMID: 26437257, 31647837, 15872200). This variant was observed in 39/21150 chromosomes in the African/African American population, according to the Genome Aggregation Database (PMID: 32461654). This allele frequency is higher than expected for a Lynch syndrome pathogenic variant, but a deleterious role in a certain genetic backgrounds cannot be ruled out. The overall evidence is inconsistent with ACMG/AMP requirements for a classification of benign or pathogenic. In summary, this variant is classified as variant of uncertain significance, until segregation, case-control and functional studies become available.

CHEO Genetics Diagnostic Laboratory, Children's Hospital of Eastern Ontario
Classification: Likely benign for Breast and/or ovarian cancer. Last evaluated: 2021-07-27. Review status: criteria provided, single submitter. Criteria: ACMG Guidelines, 2015. Collection method: clinical testing. Allele origin: germline.

GeneDx
Classification: Likely benign. Last evaluated: 2020-11-20. Review status: criteria provided, single submitter. Criteria: GeneDx Variant Classification Process June 2021. Collection method: clinical testing. Allele origin: germline. Affected: yes.
Comment: This variant is associated with the following publications: (PMID: 25980754, 21153778, 23621914, 22290698, 15872200, 22949387, 26437257, 23581296, 28874130, 19593635, 31647837)

Mendelics
Classification: Likely benign for Lynch syndrome 5. Last evaluated: 2019-05-28. Review status: criteria provided, single submitter. Criteria: Mendelics Assertion Criteria 2017. Collection method: clinical testing. Allele origin: unknown.

Ambry Genetics
Classification: Likely benign for Hereditary cancer-predisposing syndrome. Last evaluated: 2018-10-29. Review status: criteria provided, single submitter. Criteria: Ambry Variant Classification Scheme 2023. Collection method: clinical testing. Allele origin: germline.

PreventionGenetics, part of Exact Sciences
Classification: Likely benign for MSH6-related condition. Last evaluated: 2022-06-02. Review status: no assertion criteria provided. Collection method: clinical testing. Allele origin: germline. Not counted in ClinVar's aggregate classification.
Comment: This variant is classified as likely benign based on ACMG/AMP sequence variant interpretation guidelines (Richards et al. 2015 PMID: 25741868, with internal and published modifications).

Counsyl
Classification: Uncertain significance for Lynch syndrome 5. Last evaluated: 2016-02-09. Review status: no assertion criteria provided. Collection method: clinical testing. Allele origin: unknown. Not counted in ClinVar's aggregate classification.

Department of Pathology and Laboratory Medicine, Sinai Health System
Classification: Likely benign for Carcinoma of colon. Review status: no assertion criteria provided. Collection method: clinical testing. Allele origin: unknown. Affected: yes. Study: The Canadian Open Genetics Repository (COGR). Not counted in ClinVar's aggregate classification.
Comment: The MSH6 p.Pro42Ser variant was identified in 3 of 3168 proband chromosomes (frequency: 0.0009) from individuals or families with Lynch Syndrome (Hampel 2005, Yurgelun 2015, Carneiro da Silva 2015 26437257). The variant was identified in dbSNP (rs34014629) as â€šÃ„Ãºwith uncertain significance alleleâ€šÃ„Ã¹ and ClinVar (classified as likely benign by Invitae, Ambry Genetics, Color and 2 other submitters; and as uncertain significance by InSiGHT and Counsyl). The variant was not identified in UMD-LSDB. The variant was identified in control databases in 40 of 258,896 chromosomes at a frequency of 0.0002 (Genome Aggregation Database Feb 27, 2017). The variant was observed in the following populations: African in 39 of 21,150 chromosomes (freq: 0.002, increasing the likelihood this could be a low frequency benign variant) and Latino in 1 of 34,080 chromosomes (freq: 0.00003), while it was not observed in the Ashkenazi Jewish, East Asian, Finnish, European, Other or South Asian populations. The p.Pro42 residue is not conserved in mammals and computational analyses (PolyPhen-2, SIFT, AlignGVGD, BLOSUM, MutationTaster) do not suggest a high likelihood of impact to the protein; however, this information is not predictive enough to rule out pathogenicity. The variant occurs outside of the splicing consensus sequence and in silico or computational prediction software programs (SpliceSiteFinder, MaxEntScan, NNSPLICE, GeneSplicer) do not predict a difference in splicing. In summary, based on the above information, the clinical significance of this variant cannot be determined with certainty at this time although we would lean towards a more benign role for this variant. This variant is classified as likely benign.

Literature cited by the submitters: PubMed 15872200 (cited by 4 submitters); PubMed 22290698 (cited by 5 submitters); PubMed 23621914 (cited by 4 submitters); PubMed 25980754 (cited by 6 submitters); PubMed 26437257 (cited by 4 submitters); PubMed 28874130 (cited by Women's Health and Genetics/Laboratory Corporation of America, LabCorp and Quest Diagnostics Nichols Institute San Juan Capistrano); PubMed 27363726 (cited by Myriad Genetics, Inc.); PubMed 31647837 (cited by 3 submitters); PubMed 20301390 (cited by Johns Hopkins Genomics, Johns Hopkins University); PubMed 21153778 (cited by Counsyl).

NM_000179.3(MSH6):c.124C>T (p.Pro42Ser)

Gene: MSH6 (mutS homolog 6; plus strand). Cytogenetic location: 2p16.3.
Variant type: single nucleotide variant.
Coding change: c.124C>T on transcript NM_000179.3 (MANE Select); coding-DNA position 124, C replaced by T.
Protein change: p.Pro42Ser; replaces proline 42 with serine.
Molecular consequence: missense variant. On other transcripts: 5 prime UTR variant (1).
Genome position (GRCh38, 1-based): chr2:47,783,357, C>T. VCF-style: chr2-47783357-C-T. GRCh37 (hg19) VCF-style: chr2-48010496-C-T.
Other names: c.124C>T, p.Pro42Ser (NM_001281492.2); c.-613C>T (NM_001281493.2); short protein forms P42S.
Identifiers: ClinVar variation 89180 (VCV000089180.39), dbSNP rs34014629, ClinGen allele CA008371.